The following is an entry in ClinVar:

NM_000143.4(FH):c.239dup (p.Ile81fs)

Gene: FH (fumarate hydratase; minus strand). Cytogenetic location: 1q43.
Variant type: Duplication.
Coding change: c.239dup on transcript NM_000143.4 (MANE Select); coding-DNA position 239, one base duplicated (A; older notation c.239dupA).
Protein change: p.Ile81fs; shifts the reading frame from isoleucine 81.
Molecular consequence: frameshift variant.
Genome position (GRCh38, 1-based): chr1:241,517,210, T duplicated on the plus strand (A on the coding strand, the reverse complement: FH is on the minus strand); the first of 2 consecutive T bases (chr1:241,517,210-241,517,211); duplicating either gives the same sequence. VCF-style (leftmost placement, unchanged base first): chr1-241517209-C-CT. GRCh37 (hg19) VCF-style: chr1-241680509-C-CT.
Other names: c.239dupA (NM_000143.3); short protein forms I81fs.
Identifiers: ClinVar variation 393558 (VCV000393558.17), dbSNP rs1553341942, ClinGen allele CA16609379.

ClinVar aggregate classification (germline): Pathogenic. Review status: criteria provided, multiple submitters, no conflicts (2 of 4 stars). 6 submissions from 6 submitters: Pathogenic (6). Last evaluated 2025-10-01.

Conditions:
Hereditary cancer-predisposing syndrome. Also called: Neoplastic Syndromes, Hereditary; Hereditary Cancer Syndrome; Hereditary neoplastic syndrome; Tumor predisposition. Identifiers: Orphanet 140162, MedGen C0027672, MeSH D009386, MONDO:0015356.
Fumarase deficiency (FMRD). Also called: Fumaric aciduria; Fumarate Hydratase Deficiency. Identifiers: Orphanet 24, MedGen C0342770, MONDO:0011730, OMIM 606812.
Hereditary leiomyomatosis and renal cell cancer. Also called: LEIOMYOMA, MULTIPLE CUTANEOUS; MULTIPLE CUTANEOUS AND UTERINE LEIOMYOMATA 1, WITH OR WITHOUT RENAL CELL CARCINOMA; Reed syndrome; Multiple cutaneous and uterine leiomyomatosis; Cutaneous leiomyomata with uterine leiomyomata; Leiomyoma, hereditary multiple, of skin. Identifiers: Orphanet 523, MedGen C1708350, MONDO:0007888, OMIM 150800, HP:0007437. Disease mechanism: loss of function.

Submissions (6):

Labcorp Genetics (formerly Invitae), Labcorp
Classification: Pathogenic. Last evaluated: 2025-10-01. Review status: criteria provided, single submitter. Criteria: Invitae Variant Classification Sherloc (09022015). Collection method: clinical testing. Allele origin: germline.
Comment: This sequence change creates a premature translational stop signal (p.Ile81Aspfs*14) in the FH gene. It is expected to result in an absent or disrupted protein product. Loss-of-function variants in FH are known to be pathogenic (PMID: 11865300, 21398687). This variant is not present in population databases (gnomAD no frequency). This premature translational stop signal has been observed in individual(s) with hereditary leiomyomatosis and renal cell cancer (HLRCC) (PMID: 15937070). This variant is also known as c.111insA. ClinVar contains an entry for this variant (Variation ID: 393558). For these reasons, this variant has been classified as Pathogenic.

Ambry Genetics
Classification: Pathogenic for Hereditary cancer-predisposing syndrome. Last evaluated: 2024-03-04. Review status: criteria provided, single submitter. Criteria: Ambry Variant Classification Scheme 2023. Collection method: clinical testing. Allele origin: germline.
Comment: The c.239dupA pathogenic mutation, located in coding exon 2 of the FH gene, results from a duplication of A at nucleotide position 239, causing a translational frameshift with a predicted alternate stop codon (p.I81Dfs*14). This alteration is also described in the literature as 111insA. In addition to the clinical data presented in the literature, this alteration is expected to result in loss of function by premature protein truncation or nonsense-mediated mRNA decay. As such, this alteration is interpreted as a disease-causing mutation.

Baylor Genetics
Classification: Pathogenic for Fumarase deficiency. Last evaluated: 2023-05-04. Review status: criteria provided, single submitter. Criteria: ACMG Guidelines, 2015. Collection method: clinical testing. Allele origin: unknown.

Myriad Genetics, Inc.
Classification: Pathogenic for Hereditary leiomyomatosis and renal cell cancer. Last evaluated: 2023-02-23. Review status: criteria provided, single submitter. Criteria: Myriad Autosomal Dominant, Autosomal Recessive and X-Linked Classification Criteria (2023). Collection method: clinical testing. Allele origin: unknown.
Comment: This variant is considered pathogenic. This variant creates a frameshift predicted to result in premature protein truncation.

Genomic Diagnostic Laboratory, Division of Genomic Diagnostics, Children's Hospital of Philadelphia
Classification: Pathogenic for Hereditary leiomyomatosis and renal cell cancer. Last evaluated: 2017-01-17. Review status: criteria provided, single submitter. Criteria: DGD Variant Analysis Guidelines. Collection method: clinical testing. Allele origin: germline. Affected: yes. Observed: 2 variant alleles.
Comment: Clinical Testing

GeneDx
Classification: Pathogenic. Last evaluated: 2016-12-28. Review status: criteria provided, single submitter. Criteria: GeneDx Variant Classification (06012015). Collection method: clinical testing. Allele origin: germline. Affected: yes.
Comment: This duplication of one nucleotide in FH is denoted c.239dupA at the cDNA level and p.Ile81AspfsX14 (I81DfsX14) at the protein level. The normal sequence, with the base that is duplicated in brackets, is TTTA[dupA]GATT. The duplication causes a frameshift which changes an Isoleucine to an Aspartic Acid at codon 81 and creates a premature stop codon at position 14 of the new reading frame. This variant is predicted to cause loss of normal protein function through either protein truncation or nonsense-mediated mRNA decay. FH c.239dupA, previously published as c.111insA, has been reported in an individual with early-onset renal cancer and at least one cutaneous leiomyoma who had a family history of renal cell carcinoma (Wei 2006). It was also observed in a papillary and tubulocystic renal cell carcinoma that demonstrated negative FH and positive 2SC staining by IHC (Smith 2016, Trpkov 2016). We consider this variant to be pathogenic.

Literature cited by the submitters: PubMed 11865300 (cited by Labcorp Genetics (formerly Invitae), Labcorp); PubMed 21398687 (cited by Labcorp Genetics (formerly Invitae), Labcorp); PubMed 15937070 (cited by Labcorp Genetics (formerly Invitae), Labcorp and Ambry Genetics); PubMed 21404119 (cited by Ambry Genetics); PubMed 26900816 (cited by Ambry Genetics).